The following is an entry in ClinVar:

ClinVar aggregate classification (germline): Uncertain significance. Review status: criteria provided, multiple submitters, no conflicts (2 of 4 stars). 2 submissions from 2 submitters: Uncertain significance (2). Last evaluated 2025-08-24.

Conditions:
Aortic valve disease 2 (AOVD2). Identifiers: MedGen C3542024, MONDO:0013902, OMIM 614823.
Inborn genetic diseases. Identifiers: MedGen C0950123, MeSH D030342.

Allele frequency attached by ClinVar (database versions not stated): gnomAD 0.00001; gnomAD exomes 0.00001; TOPMed 0.00001; ExAC 0.00004; ESP Exome Variant Server 0.00015.
gnomAD v4.1: 11 of 1,604,024 alleles (0.00069%); highest among the groups gnomAD compares: Non-Finnish European, 0.00085%; no homozygotes.

Submissions (2):

Labcorp Genetics (formerly Invitae), Labcorp
Classification: Uncertain significance for Aortic valve disease 2. Last evaluated: 2025-08-24. Review status: criteria provided, single submitter. Criteria: Invitae Variant Classification Sherloc (09022015). Collection method: clinical testing. Allele origin: germline.
Comment: This sequence change replaces threonine, which is neutral and polar, with methionine, which is neutral and non-polar, at codon 341 of the SMAD6 protein (p.Thr341Met). The frequency data for this variant in the population databases is considered unreliable, as metrics indicate poor data quality at this position in the gnomAD database. This variant has not been reported in the literature in individuals affected with SMAD6-related conditions. ClinVar contains an entry for this variant (Variation ID: 950831). Invitae Evidence Modeling of protein sequence and biophysical properties (such as structural, functional, and spatial information, amino acid conservation, physicochemical variation, residue mobility, and thermodynamic stability) indicates that this missense variant is not expected to disrupt SMAD6 protein function with a negative predictive value of 80%. In summary, the available evidence is currently insufficient to determine the role of this variant in disease. Therefore, it has been classified as a Variant of Uncertain Significance.

Ambry Genetics
Classification: Uncertain significance for Inborn genetic diseases. Last evaluated: 2023-12-29. Review status: criteria provided, single submitter. Criteria: Ambry Variant Classification Scheme 2023. Collection method: clinical testing. Allele origin: germline.
Comment: The p.T341M variant (also known as c.1022C>T), located in coding exon 4 of the SMAD6 gene, results from a C to T substitution at nucleotide position 1022. The threonine at codon 341 is replaced by methionine, an amino acid with similar properties. This amino acid position is conserved. In addition, this alteration is predicted to be deleterious by in silico analysis. Since supporting evidence is limited at this time, the clinical significance of this alteration remains unclear.

NM_005585.5(SMAD6):c.1022C>T (p.Thr341Met)

Gene: SMAD6 (SMAD family member 6; plus strand). Cytogenetic location: 15q22.31.
Variant type: single nucleotide variant.
Coding change: c.1022C>T on transcript NM_005585.5 (MANE Select); coding-DNA position 1022, C replaced by T.
Protein change: p.Thr341Met; replaces threonine 341 with methionine.
Molecular consequence: missense variant. On other transcripts: non-coding transcript variant (1).
Genome position (GRCh38, 1-based): chr15:66,781,066, C>T. VCF-style: chr15-66781066-C-T. GRCh37 (hg19) VCF-style: chr15-67073404-C-T.
Other names: short protein forms T341M.
Identifiers: ClinVar variation 950831 (VCV000950831.10), dbSNP rs151259317, ClinGen allele CA7626709.